The following is an entry in ClinVar:

NM_000693.4(ALDH1A3):c.191AAG[1] (p.Glu65del)

Gene: ALDH1A3 (aldehyde dehydrogenase 1 family member A3; plus strand). Cytogenetic location: 15q26.3.
Variant type: Microsatellite.
Coding change: c.191AAG[1] on transcript NM_000693.4 (MANE Select); one copy of the 3-base unit AAG starting at c.191; the reference has two copies in a row; one copy, 3 bases deleted.
Protein change: p.Glu65del; deletes glutamic acid 65.
Genome position (GRCh38, 1-based): chr15:100,885,361-100,885,363, AAG deleted; deleting any 3 consecutive bases within chr15:100,885,357-100,885,363 gives the same sequence; the position shown is the placement nearest the transcript's 3' end. VCF-style (leftmost placement, unchanged base first): chr15-100885356-GGAA-G. GRCh37 (hg19) VCF-style: chr15-101425561-GGAA-G.
Other names: c.191AAG[1], p.Glu65del (NM_001293815.2); short protein forms E65del.
Identifiers: ClinVar variation 3707197 (VCV003707197.2).

ClinVar aggregate classification (germline): Uncertain significance (1 of 4 stars; one submission).

Conditions:
Isolated microphthalmia 8. Identifiers: Orphanet 2542, MedGen C3554524, MONDO:0014050, OMIM 615113.

Submission:

Labcorp Genetics (formerly Invitae), Labcorp
Classification: Uncertain significance for Isolated microphthalmia 8. Last evaluated: 2024-11-12. Review status: criteria provided, single submitter. Criteria: Invitae Variant Classification Sherloc (09022015). Collection method: clinical testing. Allele origin: germline.
Comment: This variant, c.194_196del, results in the deletion of 1 amino acid(s) of the ALDH1A3 protein (p.Glu65del), but otherwise preserves the integrity of the reading frame. This variant is present in population databases (rs776376945, gnomAD 0.005%). This variant has not been reported in the literature in individuals affected with ALDH1A3-related conditions. Experimental studies and prediction algorithms are not available or were not evaluated, and the functional significance of this variant is currently unknown. In summary, the available evidence is currently insufficient to determine the role of this variant in disease. Therefore, it has been classified as a Variant of Uncertain Significance.